The following is an entry in ClinVar:

NM_007294.4(BRCA1):c.2339A>G (p.Gln780Arg)

Gene: BRCA1 (BRCA1 DNA repair associated; minus strand). Cytogenetic location: 17q21.31.
Variant type: single nucleotide variant.
Coding change: c.2339A>G on transcript NM_007294.4 (MANE Select); coding-DNA position 2339, A replaced by G.
Protein change: p.Gln780Arg; replaces glutamine 780 with arginine.
Molecular consequence: missense variant. On other transcripts: intron variant (137).
Genome position (GRCh38, 1-based): chr17:43,093,192, T>C on the plus strand (A>G on the coding strand, the complement: BRCA1 is on the minus strand). VCF-style: chr17-43093192-T-C. GRCh37 (hg19) VCF-style: chr17-41245209-T-C.
Other names: c.2126A>G, p.Gln709Arg (NM_001407571.1, NM_001407915.1, NM_001407853.1 and 9 more transcripts); c.2339A>G, p.Gln780Arg (NM_001407581.1, NM_001407582.1, NM_001407583.1 and 30 more transcripts); c.2336A>G, p.Gln779Arg (NM_001407587.1, NM_001407590.1, NM_001407591.1 and 22 more transcripts); c.2213A>G, p.Gln738Arg (NM_001407649.1, NM_001407670.1, NM_001407671.1 and 11 more transcripts); c.2261A>G, p.Gln754Arg (NM_001407653.1, NM_001407654.1, NM_001407655.1 and 4 more transcripts); c.2258A>G, p.Gln753Arg (NM_001407659.1, NM_001407660.1, NM_001407661.1 and 1 more transcripts); c.2216A>G, p.Gln739Arg (NM_001407674.1, NM_001407675.1, NM_001407676.1 and 19 more transcripts); c.2198A>G, p.Gln733Arg (NM_001407692.1, NM_001407694.1, NM_001407695.1 and 29 more transcripts); and 41 more; short protein forms Q780R, Q733R, Q653R, Q668R, Q692R, Q709R, Q738R, Q739R.
Identifiers: ClinVar variation 438919 (VCV000438919.24), dbSNP rs1410232200, ClinGen allele CA10597329.

ClinVar aggregate classification (germline): Conflicting classifications of pathogenicity. Review status: criteria provided, conflicting classifications (1 of 4 stars). 7 submissions from 7 submitters: Uncertain significance (6); Likely benign (1). Last evaluated 2026-01-20.

Conditions:
Hereditary cancer-predisposing syndrome. Also called: Neoplastic Syndromes, Hereditary; Hereditary neoplastic syndrome; Tumor predisposition; Hereditary Cancer Syndrome. Identifiers: Orphanet 140162, MedGen C0027672, MeSH D009386, MONDO:0015356.
Hereditary breast ovarian cancer syndrome. Also called: Hereditary breast and ovarian cancer syndrome (HBOC); BRCA1- and BRCA2-Associated Hereditary Breast and Ovarian Cancer; Hereditary breast and/or ovarian cancer syndrome; Hereditary breast and ovarian cancer syndrome; Hereditary breast and ovarian cancer; Breast and ovarian cancer. Identifiers: Orphanet 145, MedGen C0677776, MeSH D061325, MONDO:0003582. Disease mechanism: loss of function.
Breast-ovarian cancer, familial, susceptibility to, 1 (BROVCA1). Also called: BRCA1 Hereditary Breast and Ovarian Cancer; OVARIAN CANCER, SUSCEPTIBILITY TO. Identifiers: Orphanet 145, MedGen C2676676, MONDO:0011450, OMIM 604370. Disease mechanism: loss of function.

Allele frequency attached by ClinVar (database versions not stated): gnomAD exomes below 0.00001 and 0.00001; gnomAD 0.00001; TOPMed 0.00001.
gnomAD v4.1: 18 of 1,613,866 alleles (0.0011%); highest among the groups gnomAD compares: Non-Finnish European, 0.0015%; no homozygotes.

Submissions (7):

Labcorp Genetics (formerly Invitae), Labcorp
Classification: Uncertain significance for Hereditary breast ovarian cancer syndrome. Last evaluated: 2026-01-20. Review status: criteria provided, single submitter. Criteria: Invitae Variant Classification Sherloc (09022015). Collection method: clinical testing. Allele origin: germline.
Comment: This sequence change replaces glutamine, which is neutral and polar, with arginine, which is basic and polar, at codon 780 of the BRCA1 protein (p.Gln780Arg). This variant is present in population databases (no rsID available, gnomAD 0.0009%). This variant has not been reported in the literature in individuals affected with BRCA1-related conditions. ClinVar contains an entry for this variant (Variation ID: 438919). Invitae Evidence Modeling of protein sequence and biophysical properties (such as structural, functional, and spatial information, amino acid conservation, physicochemical variation, residue mobility, and thermodynamic stability) indicates that this missense variant is expected to disrupt BRCA1 protein function with a positive predictive value of 80%. In summary, the available evidence is currently insufficient to determine the role of this variant in disease. Therefore, it has been classified as a Variant of Uncertain Significance.

Ambry Genetics
Classification: Uncertain significance for Hereditary cancer-predisposing syndrome. Last evaluated: 2025-06-03. Review status: criteria provided, single submitter. Criteria: Ambry Variant Classification Scheme 2023. Collection method: clinical testing. Allele origin: germline.
Comment: The p.Q780R variant (also known as c.2339A>G), located in coding exon 9 of the BRCA1 gene, results from an A to G substitution at nucleotide position 2339. The glutamine at codon 780 is replaced by arginine, an amino acid with highly similar properties. This amino acid position is highly conserved in available vertebrate species. In addition, the in silico prediction for this alteration is inconclusive. Based on the available evidence, the clinical significance of this variant remains unclear.

GeneDx
Classification: Uncertain significance. Last evaluated: 2025-04-02. Review status: criteria provided, single submitter. Criteria: GeneDx Variant Classification Process June 2021. Collection method: clinical testing. Allele origin: germline. Affected: yes.
Comment: Observed in both cases and controls in a breast cancer case-control study (PMID: 33471991); In silico analysis supports that this missense variant has a deleterious effect on protein structure/function; Not observed at significant frequency in large population cohorts (gnomAD); Also known as 2458A>G; This variant is associated with the following publications: (PMID: 10792030, 9774970, 15343273, 32377563, 29884841, 33471991)

All of Us Research Program, National Institutes of Health
Classification: Uncertain significance for Breast-ovarian cancer, familial, susceptibility to, 1. Last evaluated: 2023-08-15. Review status: criteria provided, single submitter. Criteria: ACMG Guidelines, 2015. Collection method: clinical testing. Allele origin: germline. Inheritance: Autosomal dominant inheritance. Observed: 1 variant allele, 1 heterozygote.
Comment: This missense variant replaces glutamine with arginine at codon 780 of the BRCA1 protein. Computational prediction suggests that this variant may have deleterious impact on protein structure and function (internally defined REVEL score threshold >= 0.7, PMID: 27666373). To our knowledge, functional studies have not been reported for this variant. This variant has been detected in a breast cancer case-control meta-analysis in 1/60466 cases and 2/53461 unaffected individuals (PMID: 33471991; Leiden Open Variation Database DB-ID BRCA1_006001). This variant has been identified in 1/250768 chromosomes in the general population by the Genome Aggregation Database (gnomAD). The available evidence is insufficient to determine the role of this variant in disease conclusively. Therefore, this variant is classified as a Variant of Uncertain Significance.

This study involves interpretation of variants in research participants for the purpose of population health screening. Participant phenotype was not available at the time of variant classification. Additional details can be found in publication PMID: 35346344, PMCID: PMC8962531

University of Washington Department of Laboratory Medicine, University of Washington
Classification: Likely benign for Hereditary cancer-predisposing syndrome. Last evaluated: 2023-03-23. Review status: criteria provided, single submitter. Criteria: Dines et al. (Genet Med. 2020). Collection method: curation. Allele origin: germline.
Comment: Missense variant in a coldspot region where missense variants are very unlikely to be pathogenic (PMID:31911673).

BRCA1 coldspot (exon 11 using historical exon numbering). Reclassification based on statistical prior probability

Color Diagnostics, LLC DBA Color Health
Classification: Uncertain significance for Hereditary cancer-predisposing syndrome. Last evaluated: 2022-08-16. Review status: criteria provided, single submitter. Criteria: ACMG Guidelines, 2015. Collection method: clinical testing. Allele origin: germline.
Comment: This missense variant replaces glutamine with arginine at codon 780 of the BRCA1 protein. Computational prediction suggests that this variant may have deleterious impact on protein structure and function (internally defined REVEL score threshold >= 0.7, PMID: 27666373). To our knowledge, functional studies have not been reported for this variant. This variant has been detected in a breast cancer case-control meta-analysis in 1/60466 cases and 2/53461 unaffected individuals (PMID: 33471991; Leiden Open Variation Database DB-ID BRCA1_006001). This variant has been identified in 1/250768 chromosomes in the general population by the Genome Aggregation Database (gnomAD). The available evidence is insufficient to determine the role of this variant in disease conclusively. Therefore, this variant is classified as a Variant of Uncertain Significance.

Quest Diagnostics Nichols Institute San Juan Capistrano
Classification: Uncertain significance. Last evaluated: 2017-07-21. Review status: criteria provided, single submitter. Criteria: Quest Diagnostics criteria. Collection method: clinical testing. Allele origin: germline.

Literature cited by the submitters: PubMed 33471991 (cited by All of Us Research Program, National Institutes of Health and Color Diagnostics, LLC DBA Color Health).